The following is an entry in ClinVar:

ClinVar aggregate classification (germline): Conflicting classifications of pathogenicity. Review status: criteria provided, conflicting classifications (1 of 4 stars). 2 submissions from 2 submitters: Uncertain significance (1); Likely benign (1). Last evaluated 2025-04-14.

Conditions:
Inborn genetic diseases. Identifiers: MedGen C0950123, MeSH D030342.
RAI1-related disorder. Also called: RAI1-related condition.

Allele frequency attached by ClinVar (database versions not stated): TOPMed below 0.00001; gnomAD exomes 0.00001; ESP Exome Variant Server 0.00008.
gnomAD v4.1: 3 of 1,613,536 alleles (0.00019%); highest among the groups gnomAD compares: South Asian, 0.0033%; no homozygotes.

Submissions (2):

PreventionGenetics, part of Exact Sciences
Classification: Uncertain significance for RAI1-related condition. Last evaluated: 2025-04-14. Review status: criteria provided, single submitter. Criteria: ACMG Guidelines, 2015. Collection method: clinical testing. Allele origin: germline.
Comment: The RAI1 c.4558A>G variant is predicted to result in the amino acid substitution p.Thr1520Ala. To our knowledge, this variant has not been reported in the literature. This variant is reported in 0.0098% of alleles in individuals of South Asian descent in gnomAD. At this time, the clinical significance of this variant is uncertain due to the absence of conclusive functional and genetic evidence.

Ambry Genetics
Classification: Likely benign for Inborn genetic diseases. Last evaluated: 2023-07-19. Review status: criteria provided, single submitter. Criteria: Ambry Variant Classification Scheme 2023. Collection method: clinical testing. Allele origin: germline.

NM_030665.4(RAI1):c.4558A>G (p.Thr1520Ala)

Gene: RAI1 (retinoic acid induced 1; plus strand). Cytogenetic location: 17p11.2.
Variant type: single nucleotide variant.
Coding change: c.4558A>G on transcript NM_030665.4 (MANE Select); coding-DNA position 4558, A replaced by G.
Protein change: p.Thr1520Ala; replaces threonine 1520 with alanine.
Molecular consequence: missense variant.
Genome position (GRCh38, 1-based): chr17:17,797,506, A>G. VCF-style: chr17-17797506-A-G. GRCh37 (hg19) VCF-style: chr17-17700820-A-G.
Other names: short protein forms T1520A.
Identifiers: ClinVar variation 2612910 (VCV002612910.3), dbSNP rs373839120, ClinGen allele CA288371272.